The following is an entry in ClinVar:

ClinVar aggregate classification (germline): Uncertain significance (1 of 4 stars; one submission).

Conditions:
Brugada syndrome. Also called: Sudden unexplained nocturnal death syndrome; Sudden unexpected nocturnal death syndrome; Sudden Unexplained Nocturnal Death Syndrome (SUNDS); Sudden Unexplained Death Syndrome. Identifiers: Orphanet 130, MedGen C1142166, MONDO:0015263.

gnomAD v4.1: 5 of 1,208,323 alleles (0.00041%); highest among the groups gnomAD compares: Non-Finnish European, 0.00056%; no homozygotes.

Submission:

Labcorp Genetics (formerly Invitae), Labcorp
Classification: Uncertain significance for Brugada syndrome. Last evaluated: 2026-02-01. Review status: criteria provided, single submitter. Criteria: Invitae Variant Classification Sherloc (09022015). Collection method: clinical testing. Allele origin: germline.
Comment: This sequence change replaces alanine, which is neutral and non-polar, with threonine, which is neutral and polar, at codon 97 of the KCNE5 protein (p.Ala97Thr). This variant is present in population databases (rs369319019, gnomAD 0.003%). This variant has not been reported in the literature in individuals affected with KCNE5-related conditions. An algorithm developed to predict the effect of missense changes on protein structure and function outputs the following: PolyPhen-2: "Benign". The threonine amino acid residue is found in multiple mammalian species, which suggests that this missense change does not adversely affect protein function. In summary, the available evidence is currently insufficient to determine the role of this variant in disease. Therefore, it has been classified as a Variant of Uncertain Significance.

NM_012282.4(KCNE5):c.289G>A (p.Ala97Thr)

Gene: KCNE5 (potassium voltage-gated channel subfamily E regulatory subunit 5; minus strand). Cytogenetic location: Xq23.
Variant type: single nucleotide variant.
Coding change: c.289G>A on transcript NM_012282.4 (MANE Select); coding-DNA position 289, G replaced by A.
Protein change: p.Ala97Thr; replaces alanine 97 with threonine.
Molecular consequence: missense variant.
Genome position (GRCh38, 1-based): chrX:109,624,732, C>T on the plus strand (G>A on the coding strand, the complement: KCNE5 is on the minus strand). VCF-style: chrX-109624732-C-T. GRCh37 (hg19) VCF-style: chrX-108867961-C-T.
Other names: short protein forms A97T.
Identifiers: ClinVar variation 4738473 (VCV004738473.1).